The following is an entry in ClinVar:

NM_003238.6(TGFB2):c.1217T>A (p.Met406Lys)

Gene: TGFB2 (transforming growth factor beta 2; plus strand). Cytogenetic location: 1q41.
Variant type: single nucleotide variant.
Coding change: c.1217T>A on transcript NM_003238.6 (MANE Select); coding-DNA position 1217, T replaced by A.
Protein change: p.Met406Lys; replaces methionine 406 with lysine.
Molecular consequence: missense variant. On other transcripts: non-coding transcript variant (2).
Genome position (GRCh38, 1-based): chr1:218,441,334, T>A. VCF-style: chr1-218441334-T-A. GRCh37 (hg19) VCF-style: chr1-218614676-T-A.
Other names: c.1301T>A, p.Met434Lys (NM_001135599.4); short protein forms M406K, M434K.
Identifiers: ClinVar variation 3390411 (VCV003390411.1).

ClinVar aggregate classification (germline): Uncertain significance (1 of 4 stars; one submission).

Submission:

GeneDx
Classification: Uncertain significance. Last evaluated: 2024-06-10. Review status: criteria provided, single submitter. Criteria: GeneDx Variant Classification Process June 2021. Collection method: clinical testing. Allele origin: germline. Affected: yes.
Comment: Not observed at significant frequency in large population cohorts (gnomAD); In silico analysis supports that this missense variant has a deleterious effect on protein structure/function; Has not been previously published as pathogenic or benign to our knowledge